The following is an entry in ClinVar:

NM_000238.4(KCNH2):c.2547C>T (p.Ser849=)

Gene: KCNH2 (potassium voltage-gated channel subfamily H member 2; minus strand). Cytogenetic location: 7q36.1.
Variant type: single nucleotide variant.
Coding change: c.2547C>T on transcript NM_000238.4 (MANE Select); coding-DNA position 2547, C replaced by T.
Protein change: p.Ser849=; no amino-acid change (serine 849 retained).
Molecular consequence: synonymous variant.
Genome position (GRCh38, 1-based): chr7:150,948,901, G>A on the plus strand (C>T on the coding strand, the complement: KCNH2 is on the minus strand). VCF-style: chr7-150948901-G-A. GRCh37 (hg19) VCF-style: chr7-150645989-G-A.
Other names: c.1527C>T, p.Ser509= (NM_172057.3).
Identifiers: ClinVar variation 704678 (VCV000704678.18), dbSNP rs543184784, ClinGen allele CA033018.
Genomic context (GRCh38, chr7:150,948,901, plus strand): 5'-GGGCAGCCAACTCACATCTCGCAGGTTGAAGGTGATCTCCAGGCTGGACCAGAAGTGGTC[G>A]GAGAACTCAGGGTACATGTCCAGCACCTCCAGCAGGTCGTCCCGATGGATCTTGTGTAGG-3'
Protein context (NP_000229.1, residues 839-859): LEVLDMYPEF[Ser849=]DHFWSSLEIT

ClinVar aggregate classification (germline): Likely benign. Review status: criteria provided, multiple submitters, no conflicts (2 of 4 stars). 4 submissions from 4 submitters: Likely benign (4). Last evaluated 2025-12-31.

Conditions:
Long QT syndrome (LQTS). Identifiers: MedGen C0023976, MeSH D008133, MONDO:0002442. Disease mechanism: loss of function. Inheritance: Various modes of inheritance.
Cardiovascular phenotype. Identifiers: MedGen CN230736.
Cardiac arrhythmia. Also called: Cardiac rhythm disease; Arrhythmia. Identifiers: MedGen C0003811, MONDO:0007263, HP:0011675.

Allele frequency attached by ClinVar (database versions not stated): gnomAD 0.00001 and 0.00002; TOPMed 0.00001; gnomAD exomes 0.00004 and 0.00008; ExAC 0.00009; 1000 Genomes Project 30x 0.00031; 1000 Genomes Project 0.00040.

Submissions (4):

Labcorp Genetics (formerly Invitae), Labcorp
Classification: Likely benign for Long QT syndrome. Last evaluated: 2025-12-31. Review status: criteria provided, single submitter. Criteria: Invitae Variant Classification Sherloc (09022015). Collection method: clinical testing. Allele origin: germline.

All of Us Research Program, National Institutes of Health
Classification: Likely benign for Long QT syndrome. Last evaluated: 2023-11-28. Review status: criteria provided, single submitter. Criteria: ACMG Guidelines, 2015. Collection method: clinical testing. Allele origin: germline. Inheritance: Autosomal dominant inheritance. Observed: 6 variant alleles, 6 heterozygotes.
Comment: This study involves interpretation of variants in research participants for the purpose of population health screening. Participant phenotype was not available at the time of variant classification. Additional details can be found in publication PMID: 35346344, PMCID: PMC8962531

Ambry Genetics
Classification: Likely benign for Cardiovascular phenotype. Last evaluated: 2021-08-09. Review status: criteria provided, single submitter. Criteria: Ambry Variant Classification Scheme 2023. Collection method: clinical testing. Allele origin: germline.

Color Diagnostics, LLC DBA Color Health
Classification: Likely benign for Arrhythmia. Last evaluated: 2019-09-09. Review status: criteria provided, single submitter. Criteria: ACMG Guidelines, 2015. Collection method: clinical testing. Allele origin: germline.